The following is an entry in ClinVar:

NM_001414.4(EIF2B1):c.163A>T (p.Thr55Ser)

Gene: EIF2B1 (eukaryotic translation initiation factor 2B subunit alpha; minus strand). Cytogenetic location: 12q24.31.
Variant type: single nucleotide variant.
Coding change: c.163A>T on transcript NM_001414.4 (MANE Select); coding-DNA position 163, A replaced by T.
Protein change: p.Thr55Ser; replaces threonine 55 with serine.
Molecular consequence: missense variant.
Genome position (GRCh38, 1-based): chr12:123,630,486, T>A on the plus strand (A>T on the coding strand, the complement: EIF2B1 is on the minus strand). VCF-style: chr12-123630486-T-A. GRCh37 (hg19) VCF-style: chr12-124115033-T-A.
Other names: short protein forms T55S.
Identifiers: ClinVar variation 1507295 (VCV001507295.8), dbSNP rs745623947, ClinGen allele CA387145847.

ClinVar aggregate classification (germline): Uncertain significance (1 of 4 stars; one submission).

gnomAD v4.1: 1 of 1,613,596 alleles (0.000062%); highest among the groups gnomAD compares: Non-Finnish European, 0.000085%; no homozygotes.

Submission:

Labcorp Genetics (formerly Invitae), Labcorp
Classification: Uncertain significance. Last evaluated: 2022-06-13. Review status: criteria provided, single submitter. Criteria: Invitae Variant Classification Sherloc (09022015). Collection method: clinical testing. Allele origin: germline.
Comment: This variant is not present in population databases (gnomAD no frequency). In summary, the available evidence is currently insufficient to determine the role of this variant in disease. Therefore, it has been classified as a Variant of Uncertain Significance. Algorithms developed to predict the effect of missense changes on protein structure and function (SIFT, PolyPhen-2, Align-GVGD) all suggest that this variant is likely to be tolerated. This variant has not been reported in the literature in individuals affected with EIF2B1-related conditions. This sequence change replaces threonine, which is neutral and polar, with serine, which is neutral and polar, at codon 55 of the EIF2B1 protein (p.Thr55Ser).